The following is an entry in ClinVar:

NM_000489.6(ATRX):c.6241A>T (p.Ile2081Phe)

Gene: ATRX (ATRX chromatin remodeler; minus strand). Cytogenetic location: Xq21.1.
Variant type: single nucleotide variant.
Coding change: c.6241A>T on transcript NM_000489.6 (MANE Select); coding-DNA position 6241, A replaced by T.
Protein change: p.Ile2081Phe; replaces isoleucine 2081 with phenylalanine.
Molecular consequence: missense variant.
Genome position (GRCh38, 1-based): chrX:77,574,335, T>A on the plus strand (A>T on the coding strand, the complement: ATRX is on the minus strand). VCF-style: chrX-77574335-T-A. GRCh37 (hg19) VCF-style: chrX-76829800-T-A.
Other names: c.6127A>T, p.Ile2043Phe (NM_138270.5); c.6241A>T (NM_000489.3); short protein forms I2043F, I2081F.
Identifiers: ClinVar variation 2128250 (VCV002128250.5), dbSNP rs1210447127, ClinGen allele CA413701237.
Genomic context (GRCh38, chrX:77,574,335, plus strand): 5'-CTTCAGCCCACTTCTTCCTTGACTGTGCAGTAGTGGAACCATCTAAACGGTAATAGTCAA[T>A]GTTTCGAAGCCACTTCCCCTCACCTGAAAATTTAACAAAAGAACACAAAAGGAATTTGAT-3'
Protein context (NP_000480.3, residues 2071-2091): YKGEGKWLRN[Ile2081Phe]DYYRLDGSTT

ClinVar aggregate classification (germline): Uncertain significance. Review status: criteria provided, multiple submitters, no conflicts (2 of 4 stars). 2 submissions from 2 submitters: Uncertain significance (2). Last evaluated 2025-07-27.

Conditions:
Alpha thalassemia-X-linked intellectual disability syndrome (ATRX). Also called: ALPHA-THALASSEMIA/MENTAL RETARDATION SYNDROME, X-LINKED; ATR, NONDELETION TYPE; ATR-X syndrome; Alpha thalassemia mental retardation syndrome, nondeletion type, X-linked; XLMR hypotonic face syndrome; X-linked alpha-thalassemia-mental retardation syndrome. Identifiers: Orphanet 847, MedGen C1845055, MONDO:0010519, OMIM 301040.

Submissions (2):

Labcorp Genetics (formerly Invitae), Labcorp
Classification: Uncertain significance for Alpha thalassemia-X-linked intellectual disability syndrome. Last evaluated: 2025-07-27. Review status: criteria provided, single submitter. Criteria: Invitae Variant Classification Sherloc (09022015). Collection method: clinical testing. Allele origin: germline.
Comment: This sequence change replaces isoleucine, which is neutral and non-polar, with phenylalanine, which is neutral and non-polar, at codon 2081 of the ATRX protein (p.Ile2081Phe). This variant is not present in population databases (gnomAD no frequency). This variant has not been reported in the literature in individuals affected with ATRX-related conditions. ClinVar contains an entry for this variant (Variation ID: 2128250). Invitae Evidence Modeling of protein sequence and biophysical properties (such as structural, functional, and spatial information, amino acid conservation, physicochemical variation, residue mobility, and thermodynamic stability) has been performed for this missense variant. However, the output from this modeling did not meet the statistical confidence thresholds required to predict the impact of this variant on ATRX protein function. In summary, the available evidence is currently insufficient to determine the role of this variant in disease. Therefore, it has been classified as a Variant of Uncertain Significance.

GeneDx
Classification: Uncertain significance. Last evaluated: 2024-09-20. Review status: criteria provided, single submitter. Criteria: GeneDx Variant Classification Process June 2021. Collection method: clinical testing. Allele origin: germline. Affected: yes.
Comment: Not observed at significant frequency in large population cohorts (gnomAD); In silico analysis supports that this missense variant has a deleterious effect on protein structure/function; Has not been previously published as pathogenic or benign to our knowledge